The following is an entry in ClinVar:

ClinVar aggregate classification (germline): Uncertain significance (1 of 4 stars; one submission).

Conditions:
Congenital muscular dystrophy due to integrin alpha-7 deficiency. Also called: MYOPATHY, CONGENITAL, DUE TO INTEGRIN ALPHA-7 DEFICIENCY; Congenital muscular dystrophy with integrin alpha-7 deficiency; Muscular dystrophy, congenital, due to ITGA7 deficiency. Identifiers: Orphanet 34520, MedGen C2750786, MONDO:0013177, OMIM 613204.

Submission:

Labcorp Genetics (formerly Invitae), Labcorp
Classification: Uncertain significance for Muscular dystrophy, congenital, due to integrin alpha-7 deficiency. Last evaluated: 2019-10-23. Review status: criteria provided, single submitter. Criteria: Invitae Variant Classification Sherloc (09022015). Collection method: clinical testing. Allele origin: germline.
Comment: This sequence change replaces isoleucine with leucine at codon 413 of the ITGA7 protein (p.Ile413Leu). The isoleucine residue is highly conserved and there is a small physicochemical difference between isoleucine and leucine. This variant is not present in population databases (ExAC no frequency). This variant has not been reported in the literature in individuals with ITGA7-related conditions. Algorithms developed to predict the effect of missense changes on protein structure and function are either unavailable or do not agree on the potential impact of this missense change (SIFT: "Tolerated"; PolyPhen-2: "Possibly Damaging"; Align-GVGD: "Class C0"). In summary, the available evidence is currently insufficient to determine the role of this variant in disease. Therefore, it has been classified as a Variant of Uncertain Significance.

NM_002206.3(ITGA7):c.1237A>C (p.Ile413Leu)

Gene: ITGA7 (integrin subunit alpha 7; minus strand). Cytogenetic location: 12q13.2.
Variant type: single nucleotide variant.
Coding change: c.1237A>C on transcript NM_002206.3 (MANE Select); coding-DNA position 1237, A replaced by C.
Protein change: p.Ile413Leu; replaces isoleucine 413 with leucine.
Molecular consequence: missense variant. On other transcripts: 5 prime UTR variant (1).
Genome position (GRCh38, 1-based): chr12:55,697,982, T>G on the plus strand (A>C on the coding strand, the complement: ITGA7 is on the minus strand). VCF-style: chr12-55697982-T-G. GRCh37 (hg19) VCF-style: chr12-56091766-T-G.
Other names: c.1249A>C, p.Ile417Leu (NM_001144996.2, NM_001414029.1); c.958A>C, p.Ile320Leu (NM_001144997.2); c.910A>C, p.Ile304Leu (NM_001367993.1); c.-56A>C (NM_001367994.1); c.1237A>C, p.Ile413Leu (NM_001374465.1, NM_001414034.1); c.1369A>C, p.Ile457Leu (NM_001410977.1); c.1162A>C, p.Ile388Leu (NM_001414030.1); c.1150A>C, p.Ile384Leu (NM_001414031.1); and 3 more; short protein forms I320L, I417L, I304L, I413L, I457L, I352L, I373L, I384L.
Identifiers: ClinVar variation 954353 (VCV000954353.1), dbSNP rs17857367, ClinGen allele CA385189884.